The following is an entry in ClinVar:

NM_001382430.1(AKT1):c.7G>A (p.Asp3Asn)

Gene: AKT1 (AKT serine/threonine kinase 1; minus strand). Cytogenetic location: 14q32.33.
Variant type: single nucleotide variant.
Coding change: c.7G>A on transcript NM_001382430.1 (MANE Select); coding-DNA position 7, G replaced by A.
Protein change: p.Asp3Asn; replaces aspartic acid 3 with asparagine.
Molecular consequence: missense variant.
Genome position (GRCh38, 1-based): chr14:104,792,637, C>T on the plus strand (G>A on the coding strand, the complement: AKT1 is on the minus strand). VCF-style: chr14-104792637-C-T. GRCh37 (hg19) VCF-style: chr14-105258974-C-T.
Other names: c.7G>A, p.Asp3Asn (NM_001014431.2, NM_001014432.2, NM_001382431.1 and 3 more transcripts); short protein forms D3N.
Identifiers: ClinVar variation 410915 (VCV000410915.8), dbSNP rs140532443, ClinGen allele CA7374951.
Genomic context (GRCh38, chr14:104,792,637, plus strand): 5'-GCCCTGGCAGCGGGTACTAACCTCGTTTGTGCAGCCAACCCTCCTTCACAATAGCCACGT[C>T]GCTCATGGTGCCCGAGGCTCCCGCGACGCTCACGCGCTCCTCTCAGGCTGGCGCTCCCCG-3'
Protein context (NP_001369359.1, residues 1-13): MS[Asp3Asn]VAIVKEGWLH

ClinVar aggregate classification (germline): Uncertain significance (1 of 4 stars; one submission).

Conditions:
Cowden syndrome 6 (CWS6). Identifiers: Orphanet 201, MedGen C3554519, MONDO:0014048, OMIM 615109.

Allele frequency attached by ClinVar (database versions not stated): gnomAD 0.00010 and 0.00011; ESP Exome Variant Server 0.00015; gnomAD exomes 0.00007 and 0.00009; TOPMed 0.00007; ExAC 0.00009.

Submission:

Labcorp Genetics (formerly Invitae), Labcorp
Classification: Uncertain significance for Cowden syndrome 6. Last evaluated: 2025-07-21. Review status: criteria provided, single submitter. Criteria: Invitae Variant Classification Sherloc (09022015). Collection method: clinical testing. Allele origin: germline.
Comment: This sequence change replaces aspartic acid, which is acidic and polar, with asparagine, which is neutral and polar, at codon 3 of the AKT1 protein (p.Asp3Asn). This variant is present in population databases (rs140532443, gnomAD 0.03%). This variant has not been reported in the literature in individuals affected with AKT1-related conditions. ClinVar contains an entry for this variant (Variation ID: 410915). An algorithm developed to predict the effect of missense changes on protein structure and function (PolyPhen-2) suggests that this variant is likely to be tolerated. In summary, the available evidence is currently insufficient to determine the role of this variant in disease. Therefore, it has been classified as a Variant of Uncertain Significance.